The following is an entry in ClinVar:

ClinVar aggregate classification (germline): Pathogenic/Likely pathogenic. Review status: criteria provided, multiple submitters, no conflicts (2 of 4 stars). 4 submissions from 4 submitters: Pathogenic (2); Likely pathogenic (2). Last evaluated 2024-03-14.

Conditions:
Hereditary spastic paraplegia 4. Also called: Spastic paraplegia 4, autosomal dominant; Spastic Paraplegia 4; Familial spastic paraplegia autosomal dominant 2. Identifiers: Orphanet 100985, MedGen C1866855, MONDO:0008438, OMIM 182601.

Submissions (4):

Athena Diagnostics
Classification: Likely pathogenic. Last evaluated: 2024-03-14. Review status: criteria provided, single submitter. Criteria: Athena Diagnostics Criteria. Collection method: clinical testing. Allele origin: unknown.
Comment: This variant has been identified in multiple unrelated individuals with clinical features associated with this gene. This variant has not been reported in large, multi-ethnic general populations.

Dasa
Classification: Likely pathogenic for Hereditary spastic paraplegia 4. Last evaluated: 2022-02-14. Review status: criteria provided, single submitter. Criteria: ACMG Guidelines, 2015. Collection method: clinical testing. Allele origin: germline. Affected: yes. Observed: 1 variant allele.
Comment: This sequence change has been observed in affected individual(s) and ClinVar contains an entry for this variant (ClinVar ID: 1072408; PMID: 20932283) - PS4_moderate. This variant is not present in population databases (rs1553321270, gnomAD; ABraOM no frequency) - PM2. Protein length variants as a result of in-frame deletions/insertions in a nonrepeat region or stop-loss variants - PM4. In summary, the currently available evidence indicates that the variant is likely pathogenic.

Labcorp Genetics (formerly Invitae), Labcorp
Classification: Pathogenic for Hereditary spastic paraplegia 4. Last evaluated: 2020-01-23. Review status: criteria provided, single submitter. Criteria: Invitae Variant Classification Sherloc (09022015). Collection method: clinical testing. Allele origin: germline.
Comment: For these reasons, this variant has been classified as Pathogenic. Experimental studies and prediction algorithms are not available or were not evaluated, and the functional significance of this variant is currently unknown. This variant has been observed in individual(s) with hereditary spastic paraplegia (PMID: 20932283, Invitae). In at least one individual the variant was observed to be de novo. This variant is not present in population databases (ExAC no frequency). This sequence change disrupts the translational stop signal of the SPAST mRNA. It is expected to extend the length of the SPAST protein by 45 additional amino acid residues.

Clinical Genetics Service, Universitary Hospital 12 de Octubre
Classification: Pathogenic for Hereditary spastic paraplegia 4. Review status: criteria provided, single submitter. Criteria: ACMG Guidelines, 2015. Collection method: clinical testing. Allele origin: germline. Affected: yes.

Literature cited by the submitters: PubMed 24033003 (cited by Athena Diagnostics); PubMed 26671083 (cited by Athena Diagnostics); PubMed 20932283 (cited by 3 submitters).

NM_014946.4(SPAST):c.1849T>G (p.Ter617Glu)

Gene: SPAST (spastin; plus strand). Cytogenetic location: 2p22.3.
Variant type: single nucleotide variant.
Coding change: c.1849T>G on transcript NM_014946.4 (MANE Select); coding-DNA position 1849, T replaced by G.
Protein change: p.Ter617Glu.
Molecular consequence: stop lost. On other transcripts: 3 prime UTR variant (1).
Genome position (GRCh38, 1-based): chr2:32,154,494, T>G. VCF-style: chr2-32154494-T-G. GRCh37 (hg19) VCF-style: chr2-32379563-T-G.
Other names: c.1753T>G, p.Ter585Glu (NM_199436.2); c.1846T>G, p.Ter616Glu (NM_001363823.2); c.1750T>G, p.Ter584Glu (NM_001363875.2); c.*122T>G (NM_001377959.1).
Identifiers: ClinVar variation 1072408 (VCV001072408.14), dbSNP rs1553321270, ClinGen allele CA346505784.
Genomic context (GRCh38, chr2:32,154,494, plus strand): 5'-AGCCCTCAAACTTTAGAAGCGTACATACGTTGGAACAAGGACTTTGGAGATACCACTGTT[T>G]AAGGAAATACCTTTGTAAACCTGCAGAACATTTTACTTAAAAGAGGAAACACAAGATCTT-3'